The following is an entry in ClinVar:

ClinVar aggregate classification (germline): Uncertain significance (1 of 4 stars; one submission).

Submission:

Labcorp Genetics (formerly Invitae), Labcorp
Classification: Uncertain significance. Last evaluated: 2022-09-27. Review status: criteria provided, single submitter. Criteria: Invitae Variant Classification Sherloc (09022015). Collection method: clinical testing. Allele origin: germline.
Comment: This sequence change replaces aspartic acid, which is acidic and polar, with histidine, which is basic and polar, at codon 1810 of the CDH23 protein (p.Asp1810His). Information on the frequency of this variant in the gnomAD database is not available, as this variant may be reported differently in the database. This variant has not been reported in the literature in individuals affected with CDH23-related conditions. Experimental studies and prediction algorithms are not available or were not evaluated, and the functional significance of this variant is currently unknown. In summary, the available evidence is currently insufficient to determine the role of this variant in disease. Therefore, it has been classified as a Variant of Uncertain Significance.

NM_022124.6(CDH23):c.5427_5428delinsTC (p.Asp1810His)

Gene: CDH23 (cadherin related 23; plus strand). Cytogenetic location: 10q22.1.
Variant type: Indel.
Coding change: c.5427_5428delinsTC on transcript NM_022124.6 (MANE Select); coding-DNA positions 5427 to 5428, GG replaced by TC.
Protein change: p.Asp1810His; replaces aspartic acid 1810 with histidine.
Molecular consequence: missense variant.
Genome position (GRCh38, 1-based): chr10:71,784,345-71,784,346, GG replaced by TC. VCF-style: chr10-71784345-GG-TC. GRCh37 (hg19) VCF-style: chr10-73544102-GG-TC.
Other names: short protein forms D1810H.
Identifiers: ClinVar variation 2126784 (VCV002126784.4), dbSNP rs2494357050, ClinGen allele CA2580082128.